The following is an entry in ClinVar:

NM_000059.4(BRCA2):c.4580C>A (p.Ala1527Asp)

Gene: BRCA2 (BRCA2 DNA repair associated; plus strand). Cytogenetic location: 13q13.1.
Variant type: single nucleotide variant.
Coding change: c.4580C>A on transcript NM_000059.4 (MANE Select); coding-DNA position 4580, C replaced by A.
Protein change: p.Ala1527Asp; replaces alanine 1527 with aspartic acid.
Molecular consequence: missense variant.
Genome position (GRCh38, 1-based): chr13:32,338,935, C>A. VCF-style: chr13-32338935-C-A. GRCh37 (hg19) VCF-style: chr13-32913072-C-A.
Other names: c.4580C>A, p.Ala1527Asp (NM_001406719.1, NM_001406720.1); short protein forms A1527D.
Identifiers: ClinVar variation 1741642 (VCV001741642.4), dbSNP rs2137507943, ClinGen allele CA387781898.

ClinVar aggregate classification (germline): Conflicting classifications of pathogenicity. Review status: criteria provided, conflicting classifications (1 of 4 stars). 2 submissions from 2 submitters: Uncertain significance (1); Likely benign (1). Last evaluated 2023-03-23.

Conditions:
Hereditary cancer-predisposing syndrome. Also called: Hereditary Cancer Syndrome; Hereditary neoplastic syndrome; Neoplastic Syndromes, Hereditary; Tumor predisposition. Identifiers: Orphanet 140162, MedGen C0027672, MeSH D009386, MONDO:0015356.

Submissions (2):

University of Washington Department of Laboratory Medicine, University of Washington
Classification: Likely benign for Hereditary cancer-predisposing syndrome. Last evaluated: 2023-03-23. Review status: criteria provided, single submitter. Criteria: Dines et al. (Genet Med. 2020). Collection method: curation. Allele origin: germline.
Comment: Missense variant in a coldspot region where missense variants are very unlikely to be pathogenic (PMID:31911673).

BRCA2 exon 11 coldspot. Reclassification based on statistical prior probability.

Ambry Genetics
Classification: Uncertain significance for Hereditary cancer-predisposing syndrome. Last evaluated: 2022-10-03. Review status: criteria provided, single submitter. Criteria: Ambry Variant Classification Scheme 2023. Collection method: clinical testing. Allele origin: germline.
Comment: The p.A1527D variant (also known as c.4580C>A), located in coding exon 10 of the BRCA2 gene, results from a C to A substitution at nucleotide position 4580. The alanine at codon 1527 is replaced by aspartic acid, an amino acid with dissimilar properties. This amino acid position is conserved. In addition, this alteration is predicted to be deleterious by in silico analysis. Since supporting evidence is limited at this time, the clinical significance of this alteration remains unclear.